The following is an entry in ClinVar:

NM_024675.4(PALB2):c.696dup (p.Val233fs)

Gene: PALB2 (partner and localizer of BRCA2; minus strand). Cytogenetic location: 16p12.2.
Variant type: Duplication.
Coding change: c.696dup on transcript NM_024675.4 (MANE Select); coding-DNA position 696, one base duplicated (T; older notation c.696dupT).
Protein change: p.Val233fs; shifts the reading frame from valine 233.
Molecular consequence: frameshift variant.
Genome position (GRCh38, 1-based): chr16:23,635,850, A duplicated on the plus strand (T on the coding strand, the reverse complement: PALB2 is on the minus strand). VCF-style (leftmost placement, unchanged base first): chr16-23635849-C-CA. GRCh37 (hg19) VCF-style: chr16-23647170-C-CA.
Other names: short protein forms V233fs.
Identifiers: ClinVar variation 830112 (VCV000830112.2), dbSNP rs1967028249, ClinGen allele CA916081823.
Genomic context (GRCh38, chr16:23,635,849, plus strand): 5'-GAGTCTGTAAAGGAACTGTAGTCGCCCTGGTGAAATTAGGTCTTCTTAGGAATGTATCAA[C>CA]ACCTTTTTCTGGTTGGGCAGTTGGTGGAATTAATACACTGTCTTCATTAATTTCTGTAAC-3'

ClinVar aggregate classification (germline): Pathogenic (0 of 4 stars; one submission).

Conditions:
Familial cancer of breast. Also called: BREAST CANCER, FAMILIAL; Hereditary breast cancer; hereditary breast carcinoma. Identifiers: Orphanet 227535, MedGen C0346153, MONDO:0016419, OMIM 114480. Disease mechanism: loss of function.

Submission:

Leiden Open Variation Database
Classification: Pathogenic for Familial cancer of breast. Last evaluated: 2019-05-13. Review status: no assertion criteria provided. Collection method: curation. Allele origin: germline. Affected: yes.
Comment: Curators: Marc Tischkowitz, Arleen D. Auerbach. Submitter to LOVD: Marc Tischkowitz.

Literature cited by the submitters: PubMed 24549055.